The following is an entry in ClinVar:

ClinVar aggregate classification (germline): Pathogenic (1 of 4 stars; one submission).

Conditions:
Inborn genetic diseases. Identifiers: MedGen C0950123, MeSH D030342.

Submission:

Ambry Genetics
Classification: Pathogenic for Inborn genetic diseases. Last evaluated: 2024-05-24. Review status: criteria provided, single submitter. Criteria: Ambry Variant Classification Scheme 2023. Collection method: clinical testing. Allele origin: germline.
Comment: The c.858_883dupTAAAATGAAAGGTTTTGGGTTTTGGC (p.P295Lfs*3) alteration, located in exon 1 (coding exon 1) of the ZMYND11 gene, consists of a duplication of TAAAATGAAAGGTTTTGGGTTTTGGC at position 858, causing a translational frameshift with a predicted alternate stop codon after 3 amino acids. This alteration is expected to result in loss of function by premature protein truncation or nonsense-mediated mRNA decay. This variant was not reported in population-based cohorts in the Genome Aggregation Database (gnomAD). Based on the available evidence, this alteration is classified as pathogenic.

NM_001370100.5(ZMYND11):c.858_883dup (p.Pro295delinsLeuLysTer)

Gene: ZMYND11 (zinc finger MYND-type containing 11; plus strand). Cytogenetic location: 10p15.3.
Variant type: Duplication.
Coding change: c.858_883dup on transcript NM_001370100.5 (MANE Select); coding-DNA positions 858 to 883, 26 bases duplicated (TAAAATGAAAGGTTTTGGGTTTTGGC).
Protein change: p.Pro295delinsLeuLysTer.
Molecular consequence: nonsense. On other transcripts: non-coding transcript variant (1).
Genome position (GRCh38, 1-based): chr10:242,047-242,072, TAAAATGAAAGGTTTTGGGTTTTGGC duplicated; duplicating any 26 consecutive bases within chr10:242,044-242,072 gives the same sequence; the c. name uses the placement nearest the transcript's 3' end. VCF-style (leftmost placement, unchanged base first): chr10-242043-G-GGGCTAAAATGAAAGGTTTTGGGTTTT. GRCh37 (hg19) VCF-style: chr10-287983-G-GGGCTAAAATGAAAGGTTTTGGGTTTT.
Other names: c.696_721dup, p.Pro241delinsLeuLysTer (NM_001202464.3, NM_001202467.1, NM_001370103.2 and 6 more transcripts); c.603_628dup, p.Pro210delinsLeuLysTer (NM_001202465.3, NM_001370110.2); c.693_718dup, p.Pro240delinsLeuLysTer (NM_001202466.3, NM_001370111.2); c.858_883dup, p.Pro295delinsLeuLysTer (NM_001202468.1, NM_001370097.3, NM_001370098.2 and 5 more transcripts); c.807_832dup, p.Pro278delinsLeuLysTer (NM_001330057.3, NM_001370112.2); c.765_790dup, p.Pro264delinsLeuLysTer (NM_001370113.2, NM_001370114.2); c.855_880dup, p.Pro294delinsLeuLysTer (NM_001370115.2, NM_212479.4); c.792_817dup, p.Pro273delinsLeuLysTer (NM_001370116.2); and 7 more.
Identifiers: ClinVar variation 3334833 (VCV003334833.1).